The following is an entry in ClinVar:

ClinVar aggregate classification (germline): Uncertain significance. Review status: criteria provided, multiple submitters, no conflicts (2 of 4 stars). 4 submissions from 4 submitters: Uncertain significance (4). Last evaluated 2024-01-23.

Conditions:
Hereditary cancer-predisposing syndrome. Also called: Hereditary Cancer Syndrome; Hereditary neoplastic syndrome; Neoplastic Syndromes, Hereditary; Tumor predisposition. Identifiers: Orphanet 140162, MedGen C0027672, MeSH D009386, MONDO:0015356.
Intellectual disability, autosomal dominant 16 (CSS4). Also called: COFFIN-SIRIS SYNDROME 4. Identifiers: Orphanet 1465, MedGen C3553249, MONDO:0013821, OMIM 614609.
Rhabdoid tumor predisposition syndrome 2 (RTPS2). Identifiers: Orphanet 231108, Orphanet 69077, MedGen C2750074, MONDO:0013224, OMIM 613325.

gnomAD v4.1: 1 of 1,613,088 alleles (0.000062%); highest among the groups gnomAD compares: Non-Finnish European, 0.000085%; no homozygotes.

Submissions (4):

Ambry Genetics
Classification: Uncertain significance for Hereditary cancer-predisposing syndrome. Last evaluated: 2024-01-23. Review status: criteria provided, single submitter. Criteria: Ambry Variant Classification Scheme 2023. Collection method: clinical testing. Allele origin: germline.
Comment: The p.G1368S variant (also known as c.4102G>A), located in coding exon 28 of the SMARCA4 gene, results from a G to A substitution at nucleotide position 4102. The glycine at codon 1368 is replaced by serine, an amino acid with similar properties. This amino acid position is highly conserved in available vertebrate species. In addition, the in silico prediction for this alteration is inconclusive. Since supporting evidence is limited at this time, the clinical significance of this alteration remains unclear.

Labcorp Genetics (formerly Invitae), Labcorp
Classification: Uncertain significance for Rhabdoid tumor predisposition syndrome 2. Last evaluated: 2022-12-09. Review status: criteria provided, single submitter. Criteria: Invitae Variant Classification Sherloc (09022015). Collection method: clinical testing. Allele origin: germline.
Comment: This variant has not been reported in the literature in individuals affected with SMARCA4-related conditions. ClinVar contains an entry for this variant (Variation ID: 408699). Advanced modeling of protein sequence and biophysical properties (such as structural, functional, and spatial information, amino acid conservation, physicochemical variation, residue mobility, and thermodynamic stability) performed at Invitae indicates that this missense variant is expected to disrupt SMARCA4 protein function. In summary, the available evidence is currently insufficient to determine the role of this variant in disease. Therefore, it has been classified as a Variant of Uncertain Significance. This variant is not present in population databases (gnomAD no frequency). This sequence change replaces glycine, which is neutral and non-polar, with serine, which is neutral and polar, at codon 1368 of the SMARCA4 protein (p.Gly1368Ser).

GeneDx
Classification: Uncertain significance. Last evaluated: 2022-09-01. Review status: criteria provided, single submitter. Criteria: GeneDx Variant Classification Process June 2021. Collection method: clinical testing. Allele origin: germline. Affected: yes.
Comment: Not observed at significant frequency in large population cohorts (gnomAD); In silico analysis supports that this missense variant has a deleterious effect on protein structure/function; Has not been previously published as pathogenic or benign to our knowledge

Genome-Nilou Lab
Classification: Uncertain significance for Intellectual disability, autosomal dominant 16. Last evaluated: 2021-07-15. Review status: criteria provided, single submitter. Criteria: ACMG Guidelines, 2015. Collection method: clinical testing. Allele origin: germline. Affected: no.

NM_003072.5(SMARCA4):c.4102G>A (p.Gly1368Ser)

Gene: SMARCA4 (SWI/SNF related BAF chromatin remodeling complex subunit ATPase 4; plus strand). Cytogenetic location: 19p13.2.
Variant type: single nucleotide variant.
Coding change: c.4102G>A on transcript NM_003072.5 (MANE Select); coding-DNA position 4102, G replaced by A.
Protein change: p.Gly1368Ser; replaces glycine 1368 with serine.
Molecular consequence: missense variant. On other transcripts: non-coding transcript variant (1).
Genome position (GRCh38, 1-based): chr19:11,035,064, G>A. VCF-style: chr19-11035064-G-A. GRCh37 (hg19) VCF-style: chr19-11145740-G-A.
Other names: c.4102G>A, p.Gly1368Ser (NM_001128844.3, NM_001128849.3, NM_001387283.1); c.4003G>A, p.Gly1335Ser (NM_001128845.2, NM_001128846.2, NM_001128847.4 and 2 more transcripts); short protein forms G1368S, G1335S.
Identifiers: ClinVar variation 408699 (VCV000408699.13), dbSNP rs1060502101, ClinGen allele CA16616173.